The following is an entry in ClinVar:

NM_172107.4(KCNQ2):c.2238T>A (p.Pro746=)

Gene: KCNQ2 (potassium voltage-gated channel subfamily Q member 2; minus strand). Cytogenetic location: 20q13.33.
Variant type: single nucleotide variant.
Coding change: c.2238T>A on transcript NM_172107.4 (MANE Select); coding-DNA position 2238, T replaced by A.
Protein change: p.Pro746=; no amino-acid change (proline 746 retained).
Molecular consequence: synonymous variant.
Genome position (GRCh38, 1-based): chr20:63,407,025, A>T on the plus strand (T>A on the coding strand, the complement: KCNQ2 is on the minus strand). VCF-style: chr20-63407025-A-T. GRCh37 (hg19) VCF-style: chr20-62038378-A-T.
Other names: p.Pro746=; c.2154T>A, p.Pro718= (NM_004518.6); c.2184T>A, p.Pro728= (NM_172106.3); c.2145T>A, p.Pro715= (NM_172108.5).
Identifiers: ClinVar variation 129342 (VCV000129342.35), dbSNP rs1801471, ClinGen allele CA153292.
Genomic context (GRCh38, chr20:63,407,025, plus strand): 5'-CAGGAACTCCATGCTGGCGCGGTTGCCCCCGCCGTAGGCGGACAGCGACCGCTCGTGGGC[A>T]GGCGGCGGCGGGATGCGCACCAGGGAGCCGTGGTCCCCCACGGGGGAGGTGCCGTGGCCC-3'
Protein context (NP_742105.1, residues 736-756): HGSLVRIPPP[Pro746=]AHERSLSAYG

ClinVar aggregate classification (germline): Benign. Review status: criteria provided, multiple submitters, no conflicts (2 of 4 stars). 15 submissions from 14 submitters: Benign (13). 2 of the submissions do not count toward it. Last evaluated 2026-02-04.

Conditions:
Early-infantile DEE. Also called: Ohtahara syndrome; Early infantile epileptic encephalopathy with suppression bursts; Early infantile epileptic encephalopathy. Identifiers: Orphanet 1934, MedGen C0393706, MONDO:0800491.
Inborn genetic diseases. Identifiers: MedGen C0950123, MeSH D030342.
Developmental and epileptic encephalopathy, 7 (DEE7). Also called: KCNQ2-Related Neonatal Epileptic Encephalopathy; KCNQ2-Related Neonatal-Onset Developmental and Epileptic Encephalopathy (NEO-DEE); Early infantile epileptic encephalopathy 7. Identifiers: Orphanet 439218, MedGen C3150986, MONDO:0013387, OMIM 613720.
Seizures, benign familial neonatal, 1. Also called: KCNQ2-Related Benign Familial Neonatal Epilepsy; KCNQ2-Related Self-Limited Familial Neonatal Epilepsy (SLFNE); Seizures, benign neonatal, 1; Benign Neonatal Epilepsy 1. Identifiers: Orphanet 1949, MedGen C3149074, MONDO:0007365, OMIM 121200.

Allele frequency attached by ClinVar (database versions not stated): ESP Exome Variant Server 0.05038; TOPMed 0.06614; gnomAD 0.07011 and 0.07647; 1000 Genomes Project 30x 0.10447; gnomAD exomes 0.10770; 1000 Genomes Project 0.10923; ExAC 0.19411.
gnomAD v4.1: 143,722 of 1,522,048 alleles (9.4%); highest among the groups gnomAD compares: South Asian, 19%; 7,776 homozygotes.

Submissions (15):

Labcorp Genetics (formerly Invitae), Labcorp
Classification: Benign for Early-infantile DEE. Last evaluated: 2026-02-04. Review status: criteria provided, single submitter. Criteria: Invitae Variant Classification Sherloc (09022015). Collection method: clinical testing. Allele origin: germline.

Blueprint Genetics
Classification: Benign. Last evaluated: 2024-11-28. Review status: criteria provided, single submitter. Criteria: ACMG Guidelines, 2015. Collection method: clinical testing. Allele origin: germline.

Unidad de Genómica Garrahan, Hospital de Pediatría Garrahan
Classification: Benign. Last evaluated: 2024-07-15. Review status: criteria provided, single submitter. Criteria: ACMG Guidelines, 2015. Collection method: clinical testing. Allele origin: germline. Affected: no. Observed: 23 variant alleles.
Comment: This variant is classified as Benign based on local population frequency. This variant was detected in 25% of patients studied in a panel designed for Epileptic and Developmental Encephalopathy and Progressive Myoclonus Epilepsy. Number of patients: 23. Only high quality variants are reported.

Genome-Nilou Lab
Classification: Benign for Developmental and epileptic encephalopathy, 7. Last evaluated: 2021-08-19. Review status: criteria provided, single submitter. Criteria: ACMG Guidelines, 2015. Collection method: clinical testing. Allele origin: germline. Affected: no.

Genome-Nilou Lab
Classification: Benign for Seizures, benign familial neonatal, 1. Last evaluated: 2021-08-19. Review status: criteria provided, single submitter. Criteria: ACMG Guidelines, 2015. Collection method: clinical testing. Allele origin: germline. Affected: no.

Mayo Clinic Laboratories, Mayo Clinic
Classification: Benign. Last evaluated: 2018-09-18. Review status: criteria provided, single submitter. Criteria: ACMG Guidelines, 2015. Collection method: clinical testing. Allele origin: germline. Observed: 89 variant alleles.

Athena Diagnostics
Classification: Benign for Seizures, benign familial neonatal, 1. Last evaluated: 2017-04-27. Review status: criteria provided, single submitter. Criteria: Athena Diagnostics Criteria. Collection method: clinical testing. Allele origin: germline.

Eurofins Ntd Llc (ga)
Classification: Benign. Last evaluated: 2016-05-17. Review status: criteria provided, single submitter. Criteria: EGL Classification Definitions 2015. Collection method: clinical testing. Allele origin: germline. Observed: 11 variant alleles, 9 heterozygotes, 2 homozygotes.

Ambry Genetics
Classification: Benign for Inborn genetic diseases. Last evaluated: 2016-02-05. Review status: criteria provided, single submitter. Criteria: Ambry Variant Classification Scheme 2023. Collection method: clinical testing. Allele origin: germline.

GeneDx
Classification: Benign. Last evaluated: 2015-03-03. Review status: criteria provided, single submitter. Criteria: GeneDx Variant Classification Process June 2021. Collection method: clinical testing. Allele origin: germline. Affected: yes.

Genetic Services Laboratory, University of Chicago
Classification: Benign for AllHighlyPenetrant. Last evaluated: 2013-04-25. Review status: criteria provided, single submitter. Criteria: ACMG Guidelines, 2007. Collection method: clinical testing. Allele origin: germline. Inheritance: Autosomal dominant inheritance.

Breakthrough Genomics
Classification: Benign. Review status: criteria provided, single submitter. Criteria: ACMG Guidelines, 2015. Collection method: not provided. Allele origin: germline. Inheritance: Autosomal dominant inheritance. Affected: yes.

PreventionGenetics, part of Exact Sciences
Classification: Benign. Review status: criteria provided, single submitter. Criteria: ACMG Guidelines, 2015. Collection method: clinical testing. Allele origin: germline.

Genome Diagnostics Laboratory, University Medical Center Utrecht
Classification: Benign. Review status: no assertion criteria provided. Collection method: clinical testing. Allele origin: germline. Affected: yes. Study: VKGL Data-share Consensus. Not counted in ClinVar's aggregate classification.

Joint Genome Diagnostic Labs from Nijmegen and Maastricht, Radboudumc and MUMC+
Classification: Benign. Review status: no assertion criteria provided. Collection method: clinical testing. Allele origin: germline. Affected: yes. Study: VKGL Data-share Consensus. Not counted in ClinVar's aggregate classification.